The following is an entry in ClinVar:

ClinVar aggregate classification (germline): Uncertain significance (1 of 4 stars; one submission).

Submission:

Labcorp Genetics (formerly Invitae), Labcorp
Classification: Uncertain significance. Last evaluated: 2023-03-26. Review status: criteria provided, single submitter. Criteria: Invitae Variant Classification Sherloc (09022015). Collection method: clinical testing. Allele origin: germline.
Comment: Algorithms developed to predict the effect of missense changes on protein structure and function output the following: SIFT: "Not Available"; PolyPhen-2: "Possibly Damaging"; Align-GVGD: "Not Available". The alanine amino acid residue is found in multiple mammalian species, which suggests that this missense change does not adversely affect protein function. This sequence change replaces threonine, which is neutral and polar, with alanine, which is neutral and non-polar, at codon 1634 of the SON protein (p.Thr1634Ala). This variant is not present in population databases (gnomAD no frequency). This variant has not been reported in the literature in individuals affected with SON-related conditions. In summary, the available evidence is currently insufficient to determine the role of this variant in disease. Therefore, it has been classified as a Variant of Uncertain Significance.

NM_138927.4(SON):c.4900A>G (p.Thr1634Ala)

Gene: SON (SON DNA and RNA binding protein; plus strand). Cytogenetic location: 21q22.11.
Variant type: single nucleotide variant.
Coding change: c.4900A>G on transcript NM_138927.4 (MANE Select); coding-DNA position 4900, A replaced by G.
Protein change: p.Thr1634Ala; replaces threonine 1634 with alanine.
Molecular consequence: missense variant. On other transcripts: non-coding transcript variant (1), intron variant (1).
Genome position (GRCh38, 1-based): chr21:33,554,131, A>G. VCF-style: chr21-33554131-A-G. GRCh37 (hg19) VCF-style: chr21-34926437-A-G.
Other names: c.4900A>G, p.Thr1634Ala (NM_001291411.2, NM_001412133.1, NM_032195.3 and 2 more transcripts); c.245-3025A>G (NM_001291412.3); short protein forms T1634A.
Identifiers: ClinVar variation 2905778 (VCV002905778.3), dbSNP rs2517385526, ClinGen allele CA410163620.